The following is an entry in ClinVar:

NM_001206999.2(CIT):c.2926C>T (p.Arg976Cys)

Gene: CIT (citron rho-interacting serine/threonine kinase; minus strand). Cytogenetic location: 12q24.23.
Variant type: single nucleotide variant.
Coding change: c.2926C>T on transcript NM_001206999.2 (MANE Select); coding-DNA position 2926, C replaced by T.
Protein change: p.Arg976Cys; replaces arginine 976 with cysteine.
Molecular consequence: missense variant.
Genome position (GRCh38, 1-based): chr12:119,742,443, G>A on the plus strand (C>T on the coding strand, the complement: CIT is on the minus strand). VCF-style: chr12-119742443-G-A. GRCh37 (hg19) VCF-style: chr12-120180248-G-A.
Other names: c.2800C>T, p.Arg934Cys (NM_007174.3); c.2926C>T (NM_001206999.1); short protein forms R934C, R976C.
Identifiers: ClinVar variation 2051912 (VCV002051912.4), dbSNP rs1593552812, ClinGen allele CA386551891.

ClinVar aggregate classification (germline): Uncertain significance. Review status: criteria provided, multiple submitters, no conflicts (2 of 4 stars). 2 submissions from 2 submitters: Uncertain significance (2). Last evaluated 2025-07-14.

Conditions:
Inborn genetic diseases. Identifiers: MedGen C0950123, MeSH D030342.

Allele frequency attached by ClinVar (database versions not stated): TOPMed below 0.00001; gnomAD exomes 0.00001.
gnomAD v4.1: 12 of 1,610,622 alleles (0.00075%); highest among the groups gnomAD compares: South Asian, 0.0011%; no homozygotes.

Submissions (2):

Ambry Genetics
Classification: Uncertain significance for Inborn genetic diseases. Last evaluated: 2025-07-14. Review status: criteria provided, single submitter. Criteria: Ambry Variant Classification Scheme 2023. Collection method: clinical testing. Allele origin: germline.

Labcorp Genetics (formerly Invitae), Labcorp
Classification: Uncertain significance. Last evaluated: 2024-02-23. Review status: criteria provided, single submitter. Criteria: Invitae Variant Classification Sherloc (09022015). Collection method: clinical testing. Allele origin: germline.
Comment: This sequence change replaces arginine, which is basic and polar, with cysteine, which is neutral and slightly polar, at codon 976 of the CIT protein (p.Arg976Cys). This variant is not present in population databases (gnomAD no frequency). This variant has not been reported in the literature in individuals affected with CIT-related conditions. ClinVar contains an entry for this variant (Variation ID: 2051912). Advanced modeling of protein sequence and biophysical properties (such as structural, functional, and spatial information, amino acid conservation, physicochemical variation, residue mobility, and thermodynamic stability) performed at Invitae indicates that this missense variant is not expected to disrupt CIT protein function with a negative predictive value of 80%. In summary, the available evidence is currently insufficient to determine the role of this variant in disease. Therefore, it has been classified as a Variant of Uncertain Significance.